The following is an entry in ClinVar:

ClinVar aggregate classification (germline): Uncertain significance (1 of 4 stars; one submission).

Submission:

GeneDx
Classification: Uncertain significance. Last evaluated: 2025-01-09. Review status: criteria provided, single submitter. Criteria: GeneDx Variant Classification Process June 2021. Collection method: clinical testing. Allele origin: germline. Affected: yes.
Comment: Not observed at significant frequency in large population cohorts (gnomAD); In silico analysis supports that this missense variant has a deleterious effect on protein structure/function; Has not been previously published as pathogenic or benign to our knowledge

NM_020699.4(GATAD2B):c.1077G>T (p.Gln359His)

Gene: GATAD2B (GATA zinc finger domain containing 2B; minus strand). Cytogenetic location: 1q21.3.
Variant type: single nucleotide variant.
Coding change: c.1077G>T on transcript NM_020699.4 (MANE Select); coding-DNA position 1077, G replaced by T.
Protein change: p.Gln359His; replaces glutamine 359 with histidine.
Molecular consequence: missense variant.
Genome position (GRCh38, 1-based): chr1:153,816,412, C>A on the plus strand (G>T on the coding strand, the complement: GATAD2B is on the minus strand). VCF-style: chr1-153816412-C-A. GRCh37 (hg19) VCF-style: chr1-153788888-C-A.
Other names: short protein forms Q359H.
Identifiers: ClinVar variation 4056947 (VCV004056947.1).